The following is an entry in ClinVar:

ClinVar aggregate classification (germline): Pathogenic (1 of 4 stars; one submission).

Conditions:
Malan overgrowth syndrome (MALNS). Also called: Sotos syndrome 2; MALAN SYNDROME; NFIX-Related Malan Syndrome. Identifiers: Orphanet 420179, MedGen C3553660, MONDO:0013885, OMIM 614753.

Submission:

MVZ Medizinische Genetik Mainz
Classification: Pathogenic for Malan overgrowth syndrome. Last evaluated: 2024-02-23. Review status: criteria provided, single submitter. Criteria: UK Practice Guidelines For Variant Classification V4 01 2020. Collection method: clinical testing. Allele origin: germline. Inheritance: Autosomal dominant inheritance. Affected: yes. Observed: 1 variant allele.
Comment: ACMG Criteria: PVS1,PM2_SUP, PM6_sup

NM_001365902.3(NFIX):c.329del (p.Gln110fs)

Gene: NFIX (nuclear factor I X; plus strand). Cytogenetic location: 19p13.13.
Variant type: Deletion.
Coding change: c.329del on transcript NM_001365902.3 (MANE Select); coding-DNA position 329, one base deleted (A; older notation c.329delA).
Protein change: p.Gln110fs; shifts the reading frame from glutamine 110.
Molecular consequence: frameshift variant.
Genome position (GRCh38, 1-based): chr19:13,025,322, A deleted. VCF-style (leftmost placement, unchanged base first): chr19-13025321-CA-C. GRCh37 (hg19) VCF-style: chr19-13136135-CA-C.
Other names: c.353del, p.Gln118fs (NM_001271043.2); c.305del, p.Gln102fs (NM_001271044.3, NM_001378404.1); c.329del, p.Gln110fs (NM_001365982.2, NM_002501.4); c.188del, p.Gln63fs (NM_001365983.2); c.326del, p.Gln109fs (NM_001365984.2, NM_001365985.2); c.377del, p.Gln126fs (NM_001378405.1); short protein forms Q102fs, Q109fs, Q110fs, Q118fs, Q126fs, Q63fs.
Identifiers: ClinVar variation 3236810 (VCV003236810.1), dbSNP rs2512745517.